The following is an entry in ClinVar:

ClinVar aggregate classification (germline): Uncertain significance (1 of 4 stars; one submission).

Submission:

Labcorp Genetics (formerly Invitae), Labcorp
Classification: Uncertain significance. Last evaluated: 2024-05-09. Review status: criteria provided, single submitter. Criteria: Invitae Variant Classification Sherloc (09022015). Collection method: clinical testing. Allele origin: germline.
Comment: This sequence change replaces leucine, which is neutral and non-polar, with proline, which is neutral and non-polar, at codon 24 of the CYP4V2 protein (p.Leu24Pro). This variant is not present in population databases (gnomAD no frequency). This missense change has been observed in individual(s) with Bietti crystalline corneoretinal dystrophy (PMID: 28051075). Advanced modeling of protein sequence and biophysical properties (such as structural, functional, and spatial information, amino acid conservation, physicochemical variation, residue mobility, and thermodynamic stability) has been performed at Invitae for this missense variant, however the output from this modeling did not meet the statistical confidence thresholds required to predict the impact of this variant on CYP4V2 protein function. In summary, the available evidence is currently insufficient to determine the role of this variant in disease. Therefore, it has been classified as a Variant of Uncertain Significance.

Literature cited by the submitters: PubMed 28051075.

NM_207352.4(CYP4V2):c.71T>C (p.Leu24Pro)

Gene: CYP4V2 (cytochrome P450 family 4 subfamily V member 2; plus strand). Cytogenetic location: 4q35.1.
Variant type: single nucleotide variant.
Coding change: c.71T>C on transcript NM_207352.4 (MANE Select); coding-DNA position 71, T replaced by C.
Protein change: p.Leu24Pro; replaces leucine 24 with proline.
Molecular consequence: missense variant.
Genome position (GRCh38, 1-based): chr4:186,191,894, T>C. VCF-style: chr4-186191894-T-C. GRCh37 (hg19) VCF-style: chr4-187113048-T-C.
Other names: short protein forms L24P.
Identifiers: ClinVar variation 3720603 (VCV003720603.2).